The following is an entry in ClinVar:

ClinVar aggregate classification (germline): Pathogenic/Likely pathogenic. Review status: criteria provided, multiple submitters, no conflicts (2 of 4 stars). 2 submissions from 2 submitters: Pathogenic (1); Likely pathogenic (1). Last evaluated 2017-05-12.

Conditions:
Maturity-onset diabetes of the young (MODY). Also called: Maturity onset diabetes mellitus in young. Identifiers: Orphanet 552, MedGen C0342276, MONDO:0018911, HP:0004904.
Maturity-onset diabetes of the young type 3. Also called: MODY type 3; MODY, type III. Identifiers: Orphanet 552, MedGen C1838100, MeSH C563933, MONDO:0010894, OMIM 600496. Disease mechanism: loss of function.

Submissions (2):

Institute of Human Genetics, University of Leipzig Medical Center
Classification: Pathogenic for Maturity-onset diabetes of the young type 3. Last evaluated: 2017-05-12. Review status: criteria provided, single submitter. Criteria: ACMG Guidelines, 2015. Collection method: clinical testing. Allele origin: germline. Affected: yes. Observed: 1 variant allele.

Clinical Genomics, Uppaluri K&H Personalized Medicine Clinic
Classification: Likely pathogenic for Maturity-onset diabetes of the young. Review status: criteria provided, single submitter. Criteria: K & H Uppaluri Personalized Medicine Clinic Variant Classification & Assertion Criteria_Updated V.1. Collection method: research. Allele origin: unknown. Inheritance: Autosomal dominant inheritance.
Comment: Mutations in HNF1A gene can predispose to MODY3. It is associated with both micro and macrovascular complications of diabetes, especially cardiovascular complications. Associated with glucosuria. May respond well to sulfonylureas. However, more evidence is required to confer the association of this particular variant rs1877293842 with MODY3.

Literature cited by the submitters: PubMed 31517624 (cited by Clinical Genomics, Uppaluri K&H Personalized Medicine Clinic); PubMed 32395877 (cited by Clinical Genomics, Uppaluri K&H Personalized Medicine Clinic); PubMed 35328643 (cited by Clinical Genomics, Uppaluri K&H Personalized Medicine Clinic); PubMed 35673428 (cited by Clinical Genomics, Uppaluri K&H Personalized Medicine Clinic).

NM_000545.8(HNF1A):c.1541dup (p.His514fs)

Gene: HNF1A (HNF1 homeobox A; plus strand). Cytogenetic location: 12q24.31.
Variant type: Duplication.
Coding change: c.1541dup on transcript NM_000545.8 (MANE Select); coding-DNA position 1541, one base duplicated (A; older notation c.1541dupA).
Protein change: p.His514fs; shifts the reading frame from histidine 514.
Molecular consequence: frameshift variant.
Genome position (GRCh38, 1-based): chr12:120,999,307, A duplicated. VCF-style (leftmost placement, unchanged base first): chr12-120999306-C-CA. GRCh37 (hg19) VCF-style: chr12-121437109-C-CA.
Other names: c.1541dup, p.His514fs (NM_001306179.2); short protein forms H514fs.
Identifiers: ClinVar variation 976400 (VCV000976400.2), dbSNP rs1877293842, ClinGen allele CA1139662933.